The following is an entry in ClinVar:

ClinVar aggregate classification (germline): Pathogenic (1 of 4 stars; one submission).

Submission:

GeneDx
Classification: Pathogenic. Last evaluated: 2018-08-23. Review status: criteria provided, single submitter. Criteria: GeneDx Variant Classification (06012015). Collection method: clinical testing. Allele origin: germline. Affected: yes.
Comment: The c.1 A>G variant in the NR2F1 gene has not been reported previously as a pathogenic variant nor as a benign variant, to our knowledge. The c.1 A>G variant is not observed in large population cohorts (Lek et al., 2016; 1000 Genomes Consortium et al., 2015; Exome Variant Server). As this pathogenic variant changes the translation initiator Methionine codon, the resultant protein is described as p.Met1?, using a question mark to signify that it is not known if the loss of Met1 means that all protein translation is completely prevented or if an abnormal protein is produced using an alternate Methionine. Other variants also affecting the translation initiator Methionine (c.2 T>C, c.2 T>G, c.2_4delTGGinsGGA) have been reported in the Human Gene Mutation Database in association with BBSOAS (Stenson et al., 2014), supporting the functional importance of this region of the protein. We interpret c.1 A>G as a pathogenic variant.

NM_005654.6(NR2F1):c.1A>G (p.Met1Val)

Genes: NR2F1 (nuclear receptor subfamily 2 group F member 1; plus strand), NR2F1-AS1 (NR2F1 antisense RNA 1; minus strand). Cytogenetic location: 5q15.
Variant type: single nucleotide variant.
Coding change: c.1A>G on transcript NM_005654.6 (MANE Select); coding-DNA position 1, A replaced by G.
Protein change: p.Met1Val; changes the start codon (methionine 1).
Molecular consequence: missense variant, initiator codon variant.
Genome position (GRCh38, 1-based): chr5:93,585,024, A>G. VCF-style: chr5-93585024-A-G. GRCh37 (hg19) VCF-style: chr5-92920730-A-G.
Other names: short protein forms M1V.
Identifiers: ClinVar variation 424105 (VCV000424105.3), dbSNP rs1064796799, ClinGen allele CA16618224.